The following is an entry in ClinVar:

NM_001164665.2(KIAA1549):c.4150C>A (p.His1384Asn)

Gene: KIAA1549 (KIAA1549; minus strand). Cytogenetic location: 7q34.
Variant type: single nucleotide variant.
Coding change: c.4150C>A on transcript NM_001164665.2 (MANE Select); coding-DNA position 4150, C replaced by A.
Protein change: p.His1384Asn; replaces histidine 1384 with asparagine.
Molecular consequence: missense variant.
Genome position (GRCh38, 1-based): chr7:138,881,467, G>T on the plus strand (C>A on the coding strand, the complement: KIAA1549 is on the minus strand). VCF-style: chr7-138881467-G-T. GRCh37 (hg19) VCF-style: chr7-138566213-G-T.
Other names: c.4150C>A, p.His1384Asn (NM_020910.3); short protein forms H1384N.
Identifiers: ClinVar variation 1053885 (VCV001053885.9), dbSNP rs1387844837, ClinGen allele CA369377290.

ClinVar aggregate classification (germline): Uncertain significance (1 of 4 stars; one submission).

Allele frequency attached by ClinVar (database versions not stated): TOPMed 0.00001.

Submission:

Labcorp Genetics (formerly Invitae), Labcorp
Classification: Uncertain significance. Last evaluated: 2024-10-23. Review status: criteria provided, single submitter. Criteria: Invitae Variant Classification Sherloc (09022015). Collection method: clinical testing. Allele origin: germline.
Comment: This sequence change replaces histidine, which is basic and polar, with asparagine, which is neutral and polar, at codon 1384 of the KIAA1549 protein (p.His1384Asn). This variant is not present in population databases (gnomAD no frequency). This variant has not been reported in the literature in individuals affected with KIAA1549-related conditions. ClinVar contains an entry for this variant (Variation ID: 1053885). An algorithm developed to predict the effect of missense changes on protein structure and function outputs the following: PolyPhen-2: "Probably Damaging". The asparagine amino acid residue is found in multiple mammalian species, which suggests that this missense change does not adversely affect protein function. In summary, the available evidence is currently insufficient to determine the role of this variant in disease. Therefore, it has been classified as a Variant of Uncertain Significance.